The following is an entry in ClinVar:

NM_004629.2(FANCG):c.1125G>A (p.Leu375=)

Gene: FANCG (FA complementation group G; minus strand). Cytogenetic location: 9p13.3.
Variant type: single nucleotide variant.
Coding change: c.1125G>A on transcript NM_004629.2 (MANE Select); coding-DNA position 1125, G replaced by A.
Protein change: p.Leu375=; no amino-acid change (leucine 375 retained).
Molecular consequence: synonymous variant.
Genome position (GRCh38, 1-based): chr9:35,075,980, C>T on the plus strand (G>A on the coding strand, the complement: FANCG is on the minus strand). VCF-style: chr9-35075980-C-T. GRCh37 (hg19) VCF-style: chr9-35075977-C-T.
Identifiers: ClinVar variation 2915425 (VCV002915425.3), dbSNP rs2490399546, ClinGen allele CA464602516.

ClinVar aggregate classification (germline): Uncertain significance (1 of 4 stars; one submission).

Conditions:
Fanconi anemia (FA). Also called: Fanconi's anemia. Identifiers: Orphanet 84, MedGen C0015625, MeSH D005199, MONDO:0019391.

Submission:

Labcorp Genetics (formerly Invitae), Labcorp
Classification: Uncertain significance for Fanconi anemia. Last evaluated: 2022-11-01. Review status: criteria provided, single submitter. Criteria: Invitae Variant Classification Sherloc (09022015). Collection method: clinical testing. Allele origin: germline.
Comment: This sequence change affects codon 375 of the FANCG mRNA. It is a 'silent' change, meaning that it does not change the encoded amino acid sequence of the FANCG protein. This variant is not present in population databases (gnomAD no frequency). This variant has not been reported in the literature in individuals affected with FANCG-related conditions. Algorithms developed to predict the effect of sequence changes on RNA splicing suggest that this variant may disrupt the consensus splice site. In summary, the available evidence is currently insufficient to determine the role of this variant in disease. Therefore, it has been classified as a Variant of Uncertain Significance.